The following is an entry in ClinVar:

ClinVar aggregate classification (germline): Uncertain significance (1 of 4 stars; one submission).

Conditions:
Mucopolysaccharidosis type 1. Also called: IDUA deficiency; MPS I. Identifiers: Orphanet 579, MedGen C0023786, MONDO:0001586.

Allele frequency attached by ClinVar (database versions not stated): TOPMed below 0.00001.
gnomAD v4.1: 11 of 1,613,132 alleles (0.00068%); highest among the groups gnomAD compares: East Asian, 0.013%; no homozygotes.

Submission:

Labcorp Genetics (formerly Invitae), Labcorp
Classification: Uncertain significance for Mucopolysaccharidosis type 1. Last evaluated: 2021-08-26. Review status: criteria provided, single submitter. Criteria: Invitae Variant Classification Sherloc (09022015). Collection method: clinical testing. Allele origin: germline.
Comment: This sequence change replaces histidine with arginine at codon 171 of the IDUA protein (p.His171Arg). The histidine residue is weakly conserved and there is a small physicochemical difference between histidine and arginine. This variant is not present in population databases (ExAC no frequency). This variant has not been reported in the literature in individuals affected with IDUA-related conditions. Algorithms developed to predict the effect of missense changes on protein structure and function (SIFT, PolyPhen-2, Align-GVGD) all suggest that this variant is likely to be tolerated. In summary, the available evidence is currently insufficient to determine the role of this variant in disease. Therefore, it has been classified as a Variant of Uncertain Significance.

NM_000203.5(IDUA):c.512A>G (p.His171Arg)

Gene: IDUA (alpha-L-iduronidase; plus strand). Cytogenetic location: 4p16.3.
Variant type: single nucleotide variant.
Coding change: c.512A>G on transcript NM_000203.5 (MANE Select); coding-DNA position 512, A replaced by G.
Protein change: p.His171Arg; replaces histidine 171 with arginine.
Molecular consequence: missense variant. On other transcripts: non-coding transcript variant (1).
Genome position (GRCh38, 1-based): chr4:1,001,486, A>G. VCF-style: chr4-1001486-A-G. GRCh37 (hg19) VCF-style: chr4-995274-A-G.
Other names: c.116A>G, p.His39Arg (NM_001363576.1); short protein forms H171R, H39R.
Identifiers: ClinVar variation 2163526 (VCV002163526.1), dbSNP rs1715069237, ClinGen allele CA355961668.